The following is an entry in ClinVar:

NM_053025.4(MYLK):c.3448+15G>A

Gene: MYLK (myosin light chain kinase; minus strand). Cytogenetic location: 3q21.1.
Variant type: single nucleotide variant.
Coding change: c.3448+15G>A on transcript NM_053025.4 (MANE Select); 15 bases into the intron after coding-DNA position 3448, G replaced by A.
Molecular consequence: intron variant.
Genome position (GRCh38, 1-based): chr3:123,700,005, C>T on the plus strand (G>A on the coding strand, the complement: MYLK is on the minus strand). VCF-style: chr3-123700005-C-T. GRCh37 (hg19) VCF-style: chr3-123418852-C-T.
Other names: c.2920+15G>A (NM_001321309.2); c.3241+15G>A (NM_053028.4, NM_053026.4); c.3448+15G>A (NM_053027.4).
Identifiers: ClinVar variation 226762 (VCV000226762.25), dbSNP rs199789942, ClinGen allele CA069655.
Genomic context (GRCh38, chr3:123,700,005, plus strand): 5'-GAGACCAACGCTCCATGAGCTAGGAGTGGCCCTGGTACAGAGGCCCCTTCTTCCCCAACC[C>T]CCATGCTCATTTACCTTCCTGGGAGAGGATGATGAACTTGGTGGTCTTGAGGGTCTTTCC-3'

ClinVar aggregate classification (germline): Benign. Review status: criteria provided, multiple submitters, no conflicts (2 of 4 stars). 5 submissions from 5 submitters: Benign (5). Last evaluated 2026-01-17.

Conditions:
Aortic aneurysm, familial thoracic 7 (AAT7). Also called: AORTIC DISSECTION, FAMILIAL, WITH OR WITHOUT AORTIC ANEURYSM. Identifiers: MedGen C3151077, MONDO:0013418, OMIM 613780.

Allele frequency attached by ClinVar (database versions not stated): gnomAD 0.00014 and 0.00050; ESP Exome Variant Server 0.00023; TOPMed 0.00023; gnomAD exomes 0.00080 and 0.00157; ExAC 0.00168; 1000 Genomes Project 30x 0.00219; 1000 Genomes Project 0.00240.
gnomAD v4.1: 1,261 of 1,614,086 alleles (0.078%); highest among the groups gnomAD compares: South Asian, 1.1%; 19 homozygotes.

Submissions (5):

Labcorp Genetics (formerly Invitae), Labcorp
Classification: Benign for Aortic aneurysm, familial thoracic 7. Last evaluated: 2026-01-17. Review status: criteria provided, single submitter. Criteria: Invitae Variant Classification Sherloc (09022015). Collection method: clinical testing. Allele origin: germline.

ARUP Laboratories, Molecular Genetics and Genomics, ARUP Laboratories
Classification: Benign. Last evaluated: 2025-05-29. Review status: criteria provided, single submitter. Criteria: ARUP Molecular Germline Variant Investigation Process 2024. Collection method: clinical testing. Allele origin: germline.

Women's Health and Genetics/Laboratory Corporation of America, LabCorp
Classification: Benign. Last evaluated: 2021-04-20. Review status: criteria provided, single submitter. Criteria: LabCorp Variant Classification Summary - May 2015. Collection method: clinical testing. Allele origin: germline.
Comment: Variant summary: MYLK c.3448+15G>A alters a non-conserved nucleotide located close to a canonical splice site and therefore could affect mRNA splicing, leading to a significantly altered protein sequence. 4/4 computational tools predict no significant impact on normal splicing. However, these predictions have yet to be confirmed by functional studies. The variant allele was found at a frequency of 0.0016 in 250494 control chromosomes, predominantly at a frequency of 0.011 within the South Asian subpopulation in the gnomAD database, including 8 homozygotes. The observed variant frequency within South Asian control individuals in the gnomAD database is approximately 200-fold of the estimated maximal expected allele frequency for a pathogenic variant in MYLK causing Thoracic Aortic Aneurysms and Dissections phenotype (5e-05), strongly suggesting that the variant is a benign polymorphism found primarily in populations of South Asian origin. To our knowledge, no occurrence of c.3448+15G>A in individuals affected with Thoracic Aortic Aneurysms and Dissections and no experimental evidence demonstrating its impact on protein function have been reported. Three clinical diagnostic laboratories have submitted clinical-significance assessments for this variant to ClinVar after 2014, and classified the variant as benign (n=2) or VUS (n=1). Based on the evidence outlined above, the variant was classified as benign.

GeneDx
Classification: Benign. Last evaluated: 2017-07-10. Review status: criteria provided, single submitter. Criteria: GeneDx Variant Classification (06012015). Collection method: clinical testing. Allele origin: germline. Affected: yes.
Comment: This variant is considered likely benign or benign based on one or more of the following criteria: it is a conservative change, it occurs at a poorly conserved position in the protein, it is predicted to be benign by multiple in silico algorithms, and/or has population frequency not consistent with disease.

Laboratory for Molecular Medicine, Mass General Brigham Personalized Medicine
Classification: Benign. Last evaluated: 2015-09-16. Review status: criteria provided, single submitter. Criteria: LMM Criteria. Collection method: clinical testing. Allele origin: germline. Observed: 1 variant allele.
Comment: c.3448+15G>A in intron 18 of MYLK: This variant is not expected to have clinical significance because it is not located within the conserved splice consensus se quence. It has been identified in 1.1% (181/16508) of South Asian chromosomes in cluding 4 homozygous individuals by the Exome Aggregation Consortium (ExAC; dbSNP rs199789942).